The following is an entry in ClinVar:

NM_000051.4(ATM):c.6023T>C (p.Ile2008Thr)

Genes: ATM (ATM serine/threonine kinase; plus strand), C11orf65 (chromosome 11 open reading frame 65; minus strand). Cytogenetic location: 11q22.3.
Variant type: single nucleotide variant.
Coding change: c.6023T>C on transcript NM_000051.4 (MANE Select); coding-DNA position 6023, T replaced by C.
Protein change: p.Ile2008Thr; replaces isoleucine 2008 with threonine.
Molecular consequence: missense variant. On other transcripts: intron variant (2).
Genome position (GRCh38, 1-based): chr11:108,315,839, T>C. VCF-style: chr11-108315839-T-C. GRCh37 (hg19) VCF-style: chr11-108186566-T-C.
Other names: c.6023T>C, p.Ile2008Thr (NM_001351834.2); c.641-6768A>G (NM_001330368.2); c.*39-6768A>G (NM_001351110.2); short protein forms I2008T.
Identifiers: ClinVar variation 233152 (VCV000233152.15), dbSNP rs876660227, ClinGen allele CA10579204.
Genomic context (GRCh38, chr11:108,315,839, plus strand): 5'-GATTTTTTTTCCTTCTTCAATTTTTGTTGTTTCCATGTTTTCAGGATCTTCTCTTAGAAA[T>C]CTACAGAAGTATAGGGGAGCCAGATAGTTTGTATGGCTGTGGTGGAGGGAAGATGTTACA-3'
Protein context (NP_000042.3, residues 1998-2018): GISLQDLLLE[Ile2008Thr]YRSIGEPDSL

ClinVar aggregate classification (germline): Uncertain significance. Review status: criteria provided, multiple submitters, no conflicts (2 of 4 stars). 2 submissions from 2 submitters: Uncertain significance (2). Last evaluated 2025-12-24.

Conditions:
Hereditary cancer-predisposing syndrome. Also called: Neoplastic Syndromes, Hereditary; Hereditary neoplastic syndrome; Tumor predisposition; Hereditary Cancer Syndrome. Identifiers: Orphanet 140162, MedGen C0027672, MeSH D009386, MONDO:0015356.
Ataxia-telangiectasia syndrome (AT). Also called: Ataxia telangiectasia (A-T); Cerebello-oculocutaneous telangiectasia; Immunodeficiency with ataxia telangiectasia; LOUIS-BAR SYNDROME; AT, COMPLEMENTATION GROUP C; ATAXIA-TELANGIECTASIA, FRESNO VARIANT. Identifiers: Orphanet 100, MedGen C0004135, MONDO:0008840, OMIM 208900.

Submissions (2):

Labcorp Genetics (formerly Invitae), Labcorp
Classification: Uncertain significance for Ataxia-telangiectasia syndrome. Last evaluated: 2025-12-24. Review status: criteria provided, single submitter. Criteria: Invitae Variant Classification Sherloc (09022015). Collection method: clinical testing. Allele origin: germline.
Comment: This sequence change replaces isoleucine, which is neutral and non-polar, with threonine, which is neutral and polar, at codon 2008 of the ATM protein (p.Ile2008Thr). This variant is not present in population databases (gnomAD no frequency). This variant has not been reported in the literature in individuals affected with ATM-related conditions. ClinVar contains an entry for this variant (Variation ID: 233152). Invitae Evidence Modeling of protein sequence and biophysical properties (such as structural, functional, and spatial information, amino acid conservation, physicochemical variation, residue mobility, and thermodynamic stability) indicates that this missense variant is not expected to disrupt ATM protein function with a negative predictive value of 95%. In summary, the available evidence is currently insufficient to determine the role of this variant in disease. Therefore, it has been classified as a Variant of Uncertain Significance.

Ambry Genetics
Classification: Uncertain significance for Hereditary cancer-predisposing syndrome. Last evaluated: 2021-03-26. Review status: criteria provided, single submitter. Criteria: Ambry Variant Classification Scheme 2023. Collection method: clinical testing. Allele origin: germline.
Comment: The p.I2008T variant (also known as c.6023T>C), located in coding exon 40 of the ATM gene, results from a T to C substitution at nucleotide position 6023. The isoleucine at codon 2008 is replaced by threonine, an amino acid with similar properties. This amino acid position is well conserved in available vertebrate species. In addition, the in silico prediction for this alteration is inconclusive. Since supporting evidence is limited at this time, the clinical significance of this alteration remains unclear.